The following is an entry in ClinVar:

NM_001364905.1(LRBA):c.5128G>A (p.Asp1710Asn)

Gene: LRBA (LPS responsive beige-like anchor protein; minus strand). Cytogenetic location: 4q31.3.
Variant type: single nucleotide variant.
Coding change: c.5128G>A on transcript NM_001364905.1 (MANE Select); coding-DNA position 5128, G replaced by A.
Protein change: p.Asp1710Asn; replaces aspartic acid 1710 with asparagine.
Molecular consequence: missense variant.
Genome position (GRCh38, 1-based): chr4:150,828,223, C>T on the plus strand (G>A on the coding strand, the complement: LRBA is on the minus strand). VCF-style: chr4-150828223-C-T. GRCh37 (hg19) VCF-style: chr4-151749375-C-T.
Other names: c.5128G>A, p.Asp1710Asn (NM_001199282.3, NM_001367550.1, NM_006726.5); short protein forms D1710N.
Identifiers: ClinVar variation 1403504 (VCV001403504.8), dbSNP rs772563770, ClinGen allele CA3102574.

ClinVar aggregate classification (germline): Uncertain significance (1 of 4 stars; one submission).

Conditions:
Combined immunodeficiency due to LRBA deficiency. Also called: Common variable immunodeficiency 8, with autoimmunity. Identifiers: Orphanet 445018, MedGen C3553512, MONDO:0013863, OMIM 614700.

Allele frequency attached by ClinVar (database versions not stated): TOPMed below 0.00001; ExAC 0.00001; gnomAD exomes 0.00001.
gnomAD v4.1: 15 of 1,614,074 alleles (0.00093%); highest among the groups gnomAD compares: Non-Finnish European, 0.0013%; no homozygotes.

Submission:

Labcorp Genetics (formerly Invitae), Labcorp
Classification: Uncertain significance for Combined immunodeficiency due to LRBA deficiency. Last evaluated: 2021-06-22. Review status: criteria provided, single submitter. Criteria: Invitae Variant Classification Sherloc (09022015). Collection method: clinical testing. Allele origin: germline.
Comment: This variant is present in population databases (rs772563770, ExAC 0.001%). This variant has not been reported in the literature in individuals with LRBA-related conditions. Algorithms developed to predict the effect of missense changes on protein structure and function are either unavailable or do not agree on the potential impact of this missense change (SIFT: "Tolerated"; PolyPhen-2: "Possibly Damaging"; Align-GVGD: "Class C0"). In summary, the available evidence is currently insufficient to determine the role of this variant in disease. Therefore, it has been classified as a Variant of Uncertain Significance. This sequence change replaces aspartic acid with asparagine at codon 1710 of the LRBA protein (p.Asp1710Asn). The aspartic acid residue is weakly conserved and there is a small physicochemical difference between aspartic acid and asparagine.